The following is an entry in ClinVar:

NM_000454.5(SOD1):c.112G>A (p.Gly38Arg)

Gene: SOD1 (superoxide dismutase 1; plus strand). Cytogenetic location: 21q22.11.
Variant type: single nucleotide variant.
Coding change: c.112G>A on transcript NM_000454.5 (MANE Select); coding-DNA position 112, G replaced by A.
Protein change: p.Gly38Arg; replaces glycine 38 with arginine.
Molecular consequence: missense variant.
Genome position (GRCh38, 1-based): chr21:31,663,829, G>A. VCF-style: chr21-31663829-G-A. GRCh37 (hg19) VCF-style: chr21-33036142-G-A.
Other names: G37R; short protein forms G38R.
Identifiers: ClinVar variation 14752 (VCV000014752.7), dbSNP rs121912431, ClinGen allele CA257311.

ClinVar aggregate classification (germline): Pathogenic. Review status: criteria provided, multiple submitters, no conflicts (2 of 4 stars). 5 submissions from 5 submitters: Pathogenic (4). 1 of the submissions does not count toward it. Last evaluated 2025-10-23.

Conditions:
Motor neuron disease. Also called: Degenerative motor system disease; Motor neuron disorder. Identifiers: Orphanet 98503, MedGen C0085084, MONDO:0020128.
Amyotrophic lateral sclerosis type 1 (ALS1). Also called: AMYOTROPHIC LATERAL SCLEROSIS 1, FAMILIAL. Identifiers: Orphanet 803, MedGen C1862939, MONDO:0007103, OMIM 105400.

Submissions (5):

Labcorp Genetics (formerly Invitae), Labcorp
Classification: Pathogenic for Amyotrophic lateral sclerosis type 1. Last evaluated: 2025-10-23. Review status: criteria provided, single submitter. Criteria: Invitae Variant Classification Sherloc (09022015). Collection method: clinical testing. Allele origin: germline.
Comment: This sequence change replaces glycine, which is neutral and non-polar, with arginine, which is basic and polar, at codon 38 of the SOD1 protein (p.Gly38Arg). This variant is not present in population databases (gnomAD no frequency). This missense change has been observed in individuals with autosomal dominant amyotrophic lateral sclerosis (PMID: 8446170, 16674979, 31788332). It has also been observed to segregate with disease in related individuals. This variant is also known as p.Gly37Arg. ClinVar contains an entry for this variant (Variation ID: 14752). Invitae Evidence Modeling of protein sequence and biophysical properties (such as structural, functional, and spatial information, amino acid conservation, physicochemical variation, residue mobility, and thermodynamic stability) indicates that this missense variant is expected to disrupt SOD1 protein function with a positive predictive value of 95%. For these reasons, this variant has been classified as Pathogenic.

3billion
Classification: Pathogenic for Amyotrophic lateral sclerosis type 1. Last evaluated: 2024-02-07. Review status: criteria provided, single submitter. Criteria: ACMG Guidelines, 2015. Collection method: clinical testing. Allele origin: germline. Affected: yes.
Comment: The variant is not observed in the gnomAD v2.1.1 dataset. Predicted Consequence/Location: Missense changes are a common disease-causing mechanism. In silico tool predictions suggest damaging effect of the variant on gene or gene product [REVEL: 0.90 (>=0.6, sensitivity 0.68 and specificity 0.92); 3Cnet: 0.96 (>=0.6, sensitivity 0.72 and precision 0.9)]. Same nucleotide change resulting in same amino acid change has been previously reported as pathogenic/likely pathogenic with strong evidence (ClinVar ID: VCV000014752 / PMID: 8446170).The variant has been observed in at least two similarly affected unrelated individuals (PMID: 28089114, 31788332).A different missense change at the same codon (p.Gly38Val) has been reported to be associated with SOD1-related disorder (PMID: 22670881). Therefore, this variant is classified as Pathogenic according to the recommendation of ACMG/AMP guideline.

Mayo Clinic Laboratories, Mayo Clinic
Classification: Pathogenic. Last evaluated: 2022-03-08. Review status: criteria provided, single submitter. Criteria: ACMG Guidelines, 2015. Collection method: clinical testing. Allele origin: germline. Observed: 1 variant allele.
Comment: PP1, PP3, PM2, PS3, PS4

Centre for Genomic and Experimental Medicine, University of Edinburgh
Classification: Pathogenic for Motor neuron disease. Last evaluated: 2016-08-31. Review status: criteria provided, single submitter. Criteria: Submitter's publication. Collection method: case-control. Allele origin: unknown. Affected: yes. Observed: 1 heterozygote.

OMIM
Classification: Pathogenic for AMYOTROPHIC LATERAL SCLEROSIS 1. Last evaluated: 1994-08-16. Review status: no assertion criteria provided. Collection method: literature only. Allele origin: germline. Not counted in ClinVar's aggregate classification.

Literature cited by the submitters: PubMed 8446170 (cited by 3 submitters); PubMed 16674979 (cited by Labcorp Genetics (formerly Invitae), Labcorp); PubMed 31788332 (cited by Labcorp Genetics (formerly Invitae), Labcorp and 3billion); PubMed 28089114 (cited by 3billion and Centre for Genomic and Experimental Medicine, University of Edinburgh); PubMed 22670881 (cited by 3billion); PubMed 8058797 (cited by OMIM).